The following is an entry in ClinVar:

NM_018367.7(ACER3):c.608G>A (p.Arg203Gln)

Gene: ACER3 (alkaline ceramidase 3; plus strand). Cytogenetic location: 11q13.5.
Variant type: single nucleotide variant.
Coding change: c.608G>A on transcript NM_018367.7 (MANE Select); coding-DNA position 608, G replaced by A.
Protein change: p.Arg203Gln; replaces arginine 203 with glutamine.
Molecular consequence: missense variant.
Genome position (GRCh38, 1-based): chr11:77,016,683, G>A. VCF-style: chr11-77016683-G-A. GRCh37 (hg19) VCF-style: chr11-76727727-G-A.
Other names: c.497G>A, p.Arg166Gln (NM_001300953.2); c.323G>A, p.Arg108Gln (NM_001300954.2, NM_001300955.2); short protein forms R108Q, R166Q, R203Q.
Identifiers: ClinVar variation 4076713 (VCV004076713.1).

ClinVar aggregate classification (germline): Uncertain significance (1 of 4 stars; one submission).

gnomAD v4.1: 15 of 1,567,828 alleles (0.00096%); highest among the groups gnomAD compares: Admixed American, 0.0018%; no homozygotes.

Submission:

GeneDx
Classification: Uncertain significance. Last evaluated: 2025-02-18. Review status: criteria provided, single submitter. Criteria: GeneDx Variant Classification Process June 2021. Collection method: clinical testing. Allele origin: germline. Affected: yes.
Comment: Not observed at significant frequency in large population cohorts (gnomAD); In silico analysis supports that this missense variant has a deleterious effect on protein structure/function; Has not been previously published as pathogenic or benign to our knowledge